The following is an entry in ClinVar:

ClinVar aggregate classification (germline): Uncertain significance (1 of 4 stars; one submission).

Submission:

Labcorp Genetics (formerly Invitae), Labcorp
Classification: Uncertain significance. Last evaluated: 2024-10-02. Review status: criteria provided, single submitter. Criteria: Invitae Variant Classification Sherloc (09022015). Collection method: clinical testing. Allele origin: germline.
Comment: This sequence change replaces glutamic acid, which is acidic and polar, with lysine, which is basic and polar, at codon 1929 of the COL7A1 protein (p.Glu1929Lys). This variant is not present in population databases (gnomAD no frequency). This variant has not been reported in the literature in individuals affected with COL7A1-related conditions. Invitae Evidence Modeling of protein sequence and biophysical properties (such as structural, functional, and spatial information, amino acid conservation, physicochemical variation, residue mobility, and thermodynamic stability) indicates that this missense variant is not expected to disrupt COL7A1 protein function with a negative predictive value of 95%. In summary, the available evidence is currently insufficient to determine the role of this variant in disease. Therefore, it has been classified as a Variant of Uncertain Significance.

NM_000094.4(COL7A1):c.5785G>A (p.Glu1929Lys)

Gene: COL7A1 (collagen type VII alpha 1 chain; minus strand). Cytogenetic location: 3p21.31.
Variant type: single nucleotide variant.
Coding change: c.5785G>A on transcript NM_000094.4 (MANE Select); coding-DNA position 5785, G replaced by A.
Protein change: p.Glu1929Lys; replaces glutamic acid 1929 with lysine.
Molecular consequence: missense variant.
Genome position (GRCh38, 1-based): chr3:48,576,284, C>T on the plus strand (G>A on the coding strand, the complement: COL7A1 is on the minus strand). VCF-style: chr3-48576284-C-T. GRCh37 (hg19) VCF-style: chr3-48613717-C-T.
Other names: short protein forms E1929K.
Identifiers: ClinVar variation 3635676 (VCV003635676.2).